The following is an entry in ClinVar:

NM_000384.3(APOB):c.13105G>C (p.Glu4369Gln)

Gene: APOB (apolipoprotein B; minus strand). Cytogenetic location: 2p24.1.
Variant type: single nucleotide variant.
Coding change: c.13105G>C on transcript NM_000384.3 (MANE Select); coding-DNA position 13105, G replaced by C.
Protein change: p.Glu4369Gln; replaces glutamic acid 4369 with glutamine.
Molecular consequence: missense variant.
Genome position (GRCh38, 1-based): chr2:21,002,317, C>G on the plus strand (G>C on the coding strand, the complement: APOB is on the minus strand). VCF-style: chr2-21002317-C-G. GRCh37 (hg19) VCF-style: chr2-21225189-C-G.
Other names: short protein forms E4369Q.
Identifiers: ClinVar variation 3231376 (VCV003231376.1), dbSNP rs1049932199, ClinGen allele CA345969286.

ClinVar aggregate classification (germline): Uncertain significance (1 of 4 stars; one submission).

Conditions:
Cardiovascular phenotype. Identifiers: MedGen CN230736.

Allele frequency attached by ClinVar (database versions not stated): gnomAD 0.00001.
gnomAD v4.1: 2 of 1,612,974 alleles (0.00012%); highest among the groups gnomAD compares: African/African-American, 0.0027%; no homozygotes.

Submission:

Ambry Genetics
Classification: Uncertain significance for Cardiovascular phenotype. Last evaluated: 2024-01-03. Review status: criteria provided, single submitter. Criteria: Ambry Variant Classification Scheme 2023. Collection method: clinical testing. Allele origin: germline.
Comment: The p.E4369Q variant (also known as c.13105G>C), located in coding exon 29 of the APOB gene, results from a G to C substitution at nucleotide position 13105. The glutamic acid at codon 4369 is replaced by glutamine, an amino acid with highly similar properties. This amino acid position is conserved. In addition, this alteration is predicted to be tolerated by in silico analysis. Since supporting evidence is limited at this time, the clinical significance of this alteration remains unclear.